The following is an entry in ClinVar:

ClinVar aggregate classification (germline): Uncertain significance (1 of 4 stars; one submission).

Allele frequency attached by ClinVar (database versions not stated): ExAC 0.00001; gnomAD 0.00003; TOPMed 0.00003; ESP Exome Variant Server 0.00008.
gnomAD v4.1: 21 of 1,613,910 alleles (0.0013%); highest among the groups gnomAD compares: African/African-American, 0.0027%; no homozygotes.

Submission:

Labcorp Genetics (formerly Invitae), Labcorp
Classification: Uncertain significance. Last evaluated: 2022-06-23. Review status: criteria provided, single submitter. Criteria: Invitae Variant Classification Sherloc (09022015). Collection method: clinical testing. Allele origin: germline.
Comment: This sequence change replaces alanine, which is neutral and non-polar, with threonine, which is neutral and polar, at codon 243 of the ITGB4 protein (p.Ala243Thr). This variant is present in population databases (rs375136714, gnomAD 0.003%). This variant has not been reported in the literature in individuals affected with ITGB4-related conditions. Algorithms developed to predict the effect of missense changes on protein structure and function are either unavailable or do not agree on the potential impact of this missense change (SIFT: "Not Available"; PolyPhen-2: "Possibly Damaging"; Align-GVGD: "Not Available"). In summary, the available evidence is currently insufficient to determine the role of this variant in disease. Therefore, it has been classified as a Variant of Uncertain Significance.

NM_000213.5(ITGB4):c.727G>A (p.Ala243Thr)

Gene: ITGB4 (integrin subunit beta 4; plus strand). Cytogenetic location: 17q25.1.
Variant type: single nucleotide variant.
Coding change: c.727G>A on transcript NM_000213.5 (MANE Select); coding-DNA position 727, G replaced by A.
Protein change: p.Ala243Thr; replaces alanine 243 with threonine.
Molecular consequence: missense variant.
Genome position (GRCh38, 1-based): chr17:75,729,425, G>A. VCF-style: chr17-75729425-G-A. GRCh37 (hg19) VCF-style: chr17-73725506-G-A.
Other names: c.727G>A, p.Ala243Thr (NM_001005619.2, NM_001005731.3, NM_001321123.2); short protein forms A243T.
Identifiers: ClinVar variation 2185236 (VCV002185236.1), dbSNP rs375136714, ClinGen allele CA8768750.